The following is an entry in ClinVar:

ClinVar aggregate classification (germline): Uncertain significance. Review status: criteria provided, multiple submitters, no conflicts (2 of 4 stars). 6 submissions from 6 submitters: Uncertain significance (6). Last evaluated 2025-10-26.

Conditions:
Familial adenomatous polyposis 1 (FAP1). Also called: FAMILIAL ADENOMATOUS POLYPOSIS 1, ATTENUATED; POLYPOSIS, ADENOMATOUS INTESTINAL. Identifiers: MedGen C2713442, MONDO:0021056, OMIM 175100. Disease mechanism: loss of function.
Hereditary cancer-predisposing syndrome. Also called: Neoplastic Syndromes, Hereditary; Tumor predisposition; Hereditary Cancer Syndrome; Hereditary neoplastic syndrome. Identifiers: Orphanet 140162, MedGen C0027672, MeSH D009386, MONDO:0015356.
Classic or attenuated familial adenomatous polyposis. Identifiers: MedGen CN372698, MONDO:0021057.

Allele frequency attached by ClinVar (database versions not stated): TOPMed below 0.00001; gnomAD 0.00001.
gnomAD v4.1: 3 of 1,614,012 alleles (0.00019%); highest among the groups gnomAD compares: Non-Finnish European, 0.00025%; no homozygotes.

Submissions (6):

Labcorp Genetics (formerly Invitae), Labcorp
Classification: Uncertain significance for Familial adenomatous polyposis 1. Last evaluated: 2025-10-26. Review status: criteria provided, single submitter. Criteria: Invitae Variant Classification Sherloc (09022015). Collection method: clinical testing. Allele origin: germline.
Comment: This sequence change replaces isoleucine, which is neutral and non-polar, with valine, which is neutral and non-polar, at codon 2738 of the APC protein (p.Ile2738Val). This variant is not present in population databases (gnomAD no frequency). This variant has not been reported in the literature in individuals affected with APC-related conditions. ClinVar contains an entry for this variant (Variation ID: 230912). Invitae Evidence Modeling of protein sequence and biophysical properties (such as structural, functional, and spatial information, amino acid conservation, physicochemical variation, residue mobility, and thermodynamic stability) indicates that this missense variant is not expected to disrupt APC protein function with a negative predictive value of 95%. RNA analysis performed to evaluate the impact of this missense change on mRNA splicing indicates it does not significantly alter splicing (internal data). In summary, the available evidence is currently insufficient to determine the role of this variant in disease. Therefore, it has been classified as a Variant of Uncertain Significance.

Ambry Genetics
Classification: Uncertain significance for Hereditary cancer-predisposing syndrome. Last evaluated: 2025-06-12. Review status: criteria provided, single submitter. Criteria: Ambry Variant Classification Scheme 2023. Collection method: clinical testing. Allele origin: germline.
Comment: The p.I2738V variant (also known as c.8212A>G), located in coding exon 15 of the APC gene, results from an A to G substitution at nucleotide position 8212. The isoleucine at codon 2738 is replaced by valine, an amino acid with highly similar properties. This alteration has been observed in one individual from a cohort of patients with Cowden/Cowden-like (CS/CS-like) and Bannayan-Riley-Ruvalcaba syndromes (BRRS) without PTEN mutations (Yehia L et al. PLoS Genet, 2018 04;14:e1007352). This amino acid position is poorly conserved in available vertebrate species. In addition, in silico predictors for this gene do not accurately predict pathogenicity. Since supporting evidence is limited at this time, the clinical significance of this alteration remains unclear.

All of Us Research Program, National Institutes of Health
Classification: Uncertain significance for Classic or attenuated familial adenomatous polyposis. Last evaluated: 2024-02-22. Review status: criteria provided, single submitter. Criteria: ACMG Guidelines, 2015. Collection method: clinical testing. Allele origin: germline. Inheritance: Autosomal dominant inheritance. Observed: 1 variant allele, 1 heterozygote.
Comment: This missense variant replaces isoleucine with valine at codon 2738 of the APC protein. Computational prediction suggests that this variant may not impact protein structure and function (internally defined REVEL score threshold <= 0.5, PMID: 27666373). To our knowledge, functional studies have not been reported for this variant. This variant has not been reported in individuals affected with APC-related disorders in the literature. This variant has not been identified in the general population by the Genome Aggregation Database (gnomAD). The available evidence is insufficient to determine the role of this variant in disease conclusively. Therefore, this variant is classified as a Variant of Uncertain Significance.

This study involves interpretation of variants in research participants for the purpose of population health screening. Participant phenotype was not available at the time of variant classification. Additional details can be found in publication PMID: 35346344, PMCID: PMC8962531

Baylor Genetics
Classification: Uncertain significance for Familial adenomatous polyposis 1. Last evaluated: 2024-02-22. Review status: criteria provided, single submitter. Criteria: ACMG Guidelines, 2015. Collection method: clinical testing. Allele origin: unknown.

Color Diagnostics, LLC DBA Color Health
Classification: Uncertain significance for Hereditary cancer-predisposing syndrome. Last evaluated: 2024-01-30. Review status: criteria provided, single submitter. Criteria: ACMG Guidelines, 2015. Collection method: clinical testing. Allele origin: germline.
Comment: This missense variant replaces isoleucine with valine at codon 2738 of the APC protein. Computational prediction suggests that this variant may not impact protein structure and function (internally defined REVEL score threshold <= 0.5, PMID: 27666373). To our knowledge, functional studies have not been reported for this variant. This variant has not been reported in individuals affected with APC-related disorders in the literature. This variant has not been identified in the general population by the Genome Aggregation Database (gnomAD). The available evidence is insufficient to determine the role of this variant in disease conclusively. Therefore, this variant is classified as a Variant of Uncertain Significance.

GeneDx
Classification: Uncertain significance. Last evaluated: 2018-12-14. Review status: criteria provided, single submitter. Criteria: GeneDx Variant Classification (06012015). Collection method: clinical testing. Allele origin: germline. Affected: yes.
Comment: This variant is denoted APC c.8212A>G at the cDNA level, p.Ile2738Val (I2738V) at the protein level, and results in the change of an Isoleucine to a Valine (ATA>GTA). This variant has not, to our knowledge, been published in the literature as a pathogenic or benign germline variant. APC Ile2738Val was not observed in large population cohorts (Lek 2016). This variant is located in the EB1 binding domain (Azzopardi 2008). In silico analysis, which includes protein predictors and evolutionary conservation, supports that this variant does not alter protein structure/function. Based on currently available evidence, it is unclear whether APC Ile2738Val is a pathogenic or benign variant. We consider it to be a variant of uncertain significance.

Literature cited by the submitters: PubMed 26934580 (cited by Ambry Genetics); PubMed 29684080 (cited by Ambry Genetics).

NM_000038.6(APC):c.8212A>G (p.Ile2738Val)

Gene: APC (APC regulator of Wnt signaling pathway; plus strand). Cytogenetic location: 5q22.2.
Variant type: single nucleotide variant.
Coding change: c.8212A>G on transcript NM_000038.6 (MANE Select); coding-DNA position 8212, A replaced by G.
Protein change: p.Ile2738Val; replaces isoleucine 2738 with valine.
Molecular consequence: missense variant.
Genome position (GRCh38, 1-based): chr5:112,843,806, A>G. VCF-style: chr5-112843806-A-G. GRCh37 (hg19) VCF-style: chr5-112179503-A-G.
Other names: c.8212A>G, p.Ile2738Val (NM_001127510.3, NM_001354895.2); c.8158A>G, p.Ile2720Val (NM_001127511.3); c.8266A>G, p.Ile2756Val (NM_001354896.2); c.8242A>G, p.Ile2748Val (NM_001354897.2); c.8137A>G, p.Ile2713Val (NM_001354898.2); c.8128A>G, p.Ile2710Val (NM_001354899.2); c.8089A>G, p.Ile2697Val (NM_001354900.2); c.8035A>G, p.Ile2679Val (NM_001354901.2); and 5 more; short protein forms I2720V, I2738V, I2455V, I2637V, I2679V, I2713V, I2756V, I2612V.
Identifiers: ClinVar variation 230912 (VCV000230912.30), dbSNP rs876658839, ClinGen allele CA10578459.